The following is an entry in ClinVar:

ClinVar aggregate classification (germline): Uncertain significance. Review status: criteria provided, multiple submitters, no conflicts (2 of 4 stars). 2 submissions from 2 submitters: Uncertain significance (2). Last evaluated 2018-10-07.

Conditions:
Catecholaminergic polymorphic ventricular tachycardia 1. Also called: RYR2-Related Catecholaminergic Polymorphic Ventricular Tachycardia; VENTRICULAR TACHYCARDIA, STRESS-INDUCED POLYMORPHIC 1; VENTRICULAR TACHYCARDIA, CATECHOLAMINERGIC POLYMORPHIC, 1, WITH OR WITHOUT ATRIAL DYSFUNCTION AND/OR DILATED CARDIOMYOPATHY. Identifiers: Orphanet 3286, MedGen C1631597, MONDO:0011484, OMIM 604772.

Allele frequency attached by ClinVar (database versions not stated): gnomAD exomes below 0.00001; TOPMed 0.00001.

Submissions (2):

Labcorp Genetics (formerly Invitae), Labcorp
Classification: Uncertain significance for Catecholaminergic polymorphic ventricular tachycardia 1. Last evaluated: 2018-10-07. Review status: criteria provided, single submitter. Criteria: Invitae Variant Classification Sherloc (09022015). Collection method: clinical testing. Allele origin: germline.
Comment: This sequence change affects codon 141 of the CASQ2 mRNA. It is a 'silent' change, meaning that it does not change the encoded amino acid sequence of the CASQ2 protein. This variant is not present in population databases (ExAC no frequency). This variant has not been reported in the literature in individuals with CASQ2-related disease. Algorithms developed to predict the effect of sequence changes on RNA splicing suggest that this variant is not likely to affect RNA splicing, but this prediction has not been confirmed by published transcriptional studies. In summary, the available evidence is currently insufficient to determine the role of this variant in disease. Therefore, it has been classified as a Variant of Uncertain Significance.

Breakthrough Genomics
Classification: Uncertain significance. Review status: criteria provided, single submitter. Criteria: ACMG Guidelines, 2015. Collection method: not provided. Allele origin: germline. Inheritance: Autosomal recessive inheritance. Affected: yes.

NM_001232.4(CASQ2):c.421C>T (p.Leu141=)

Gene: CASQ2 (calsequestrin 2; minus strand). Cytogenetic location: 1p13.1.
Variant type: single nucleotide variant.
Coding change: c.421C>T on transcript NM_001232.4 (MANE Select); coding-DNA position 421, C replaced by T.
Protein change: p.Leu141=; no amino-acid change (leucine 141 retained).
Molecular consequence: synonymous variant.
Genome position (GRCh38, 1-based): chr1:115,738,335, G>A on the plus strand (C>T on the coding strand, the complement: CASQ2 is on the minus strand). VCF-style: chr1-115738335-G-A. GRCh37 (hg19) VCF-style: chr1-116280956-G-A.
Identifiers: ClinVar variation 645893 (VCV000645893.11), dbSNP rs1570831673, ClinGen allele CA419895532.
Genomic context (GRCh38, chr1:115,738,335, plus strand): 5'-TGCGTTCGAAGGCTTGGACTTCCAGTTTGCTGCTGATGATCTCCACTGGGTCTTCAATTA[G>A]CTGAAATGCCACACGCACATACACACATGTTCAAACAAGAGATTTCCTTCTTCACTGGGG-3'
Protein context (NP_001223.2, residues 131-151): ADVLVEFLLD[Leu141=]IEDPVEIISS